The following is an entry in ClinVar:

ClinVar aggregate classification (germline): Likely benign (1 of 4 stars; one submission).

Allele frequency attached by ClinVar (database versions not stated): gnomAD exomes below 0.00001; ExAC 0.00001.
gnomAD v4.1: 3 of 1,607,760 alleles (0.00019%); highest among the groups gnomAD compares: Non-Finnish European, 0.00026%; no homozygotes.

Submission:

CeGaT Center for Human Genetics Tuebingen
Classification: Likely benign. Last evaluated: 2024-06-01. Review status: criteria provided, single submitter. Criteria: CeGaT Center For Human Genetics Tuebingen Variant Classification Criteria Version 2. Collection method: clinical testing. Allele origin: germline. Affected: yes. Observed: 1 variant allele.
Comment: SCN9A: BP4, BP7

NM_001365536.1(SCN9A):c.4698G>T (p.Leu1566=)

Genes: SCN1A-AS1 (SCN1A and SCN9A antisense RNA 1; plus strand), SCN9A (sodium voltage-gated channel alpha subunit 9; minus strand). Cytogenetic location: 2q24.3.
Variant type: single nucleotide variant.
Coding change: c.4698G>T on transcript NM_001365536.1 (MANE Select); coding-DNA position 4698, G replaced by T.
Protein change: p.Leu1566=; no amino-acid change (leucine 1566 retained).
Molecular consequence: synonymous variant.
Genome position (GRCh38, 1-based): chr2:166,204,031, C>A on the plus strand (G>T on the coding strand, the complement: SCN9A is on the minus strand). VCF-style: chr2-166204031-C-A. GRCh37 (hg19) VCF-style: chr2-167060541-C-A.
Other names: c.4665G>T, p.Leu1555= (NM_002977.4).
Identifiers: ClinVar variation 3251078 (VCV003251078.18), dbSNP rs748170589.
Genomic context (GRCh38, chr2:166,204,031, plus strand): 5'-CACAACCACAAAATCAAAAATATTCCATCCTACAGTGAAGTAGTAGTGTCTGAGGGAGAT[C>A]AGTTTTAGCACACATTCTCCAGTGAAAAGGATTATAAAAACCACATTTATCCAATATAAA-3'
Protein context (NP_001352465.1, residues 1556-1576): ILFTGECVLK[Leu1566=]ISLRHYYFTV